The following is an entry in ClinVar:

ClinVar aggregate classification (germline): Likely benign (1 of 4 stars; one submission).

Submission:

CeGaT Center for Human Genetics Tuebingen
Classification: Likely benign. Last evaluated: 2025-01-01. Review status: criteria provided, single submitter. Criteria: CeGaT Center For Human Genetics Tuebingen Variant Classification Criteria Version 2. Collection method: clinical testing. Allele origin: germline. Affected: yes. Observed: 1 variant allele.
Comment: GBP1: BP4, BS2

NM_002053.3(GBP1):c.1625T>C (p.Leu542Ser)

Gene: GBP1 (guanylate binding protein 1; minus strand). Cytogenetic location: 1p22.2.
Variant type: single nucleotide variant.
Coding change: c.1625T>C on transcript NM_002053.3 (MANE Select); coding-DNA position 1625, T replaced by C.
Protein change: p.Leu542Ser; replaces leucine 542 with serine.
Molecular consequence: missense variant.
Genome position (GRCh38, 1-based): chr1:89,054,722, A>G on the plus strand (T>C on the coding strand, the complement: GBP1 is on the minus strand). VCF-style: chr1-89054722-A-G. GRCh37 (hg19) VCF-style: chr1-89520405-A-G.
Other names: short protein forms L542S.
Identifiers: ClinVar variation 3770764 (VCV003770764.13).